The following is an entry in ClinVar:

ClinVar aggregate classification (germline): Likely pathogenic (1 of 4 stars; one submission).

Conditions:
Waardenburg syndrome type 1 (WS1). Also called: WAARDENBURG SYNDROME WITH DYSTOPIA CANTHORUM; Waardenburg Syndrome Type I. Identifiers: Orphanet 894, MedGen C1847800, MONDO:0008670, OMIM 193500.

Submission:

Institute of Rare Diseases, West China Hospital, Sichuan University
Classification: Likely pathogenic for Waardenburg syndrome type 1. Last evaluated: 2025-01-09. Review status: criteria provided, single submitter. Criteria: ClinGen HL ACMG Specifications v1. Collection method: research. Allele origin: germline. Affected: yes.
Comment: PM1;PM5;PM2_Supporting;PP3

NM_181458.4(PAX3):c.804C>A (p.Ser268Arg)

Gene: PAX3 (paired box 3; minus strand). Cytogenetic location: 2q36.1.
Variant type: single nucleotide variant.
Coding change: c.804C>A on transcript NM_181458.4 (MANE Select); coding-DNA position 804, C replaced by A.
Protein change: p.Ser268Arg; replaces serine 268 with arginine.
Molecular consequence: missense variant.
Genome position (GRCh38, 1-based): chr2:222,221,376, G>T on the plus strand (C>A on the coding strand, the complement: PAX3 is on the minus strand). VCF-style: chr2-222221376-G-T. GRCh37 (hg19) VCF-style: chr2-223086095-G-T.
Other names: c.801C>A, p.Ser267Arg (NM_001127366.3); c.804C>A, p.Ser268Arg (NM_181457.4, NM_181459.4, NM_181460.4 and 1 more transcripts); short protein forms S267R, S268R.
Identifiers: ClinVar variation 3601594 (VCV003601594.1).